The following is an entry in ClinVar:

NM_001142864.4(PIEZO1):c.5768C>T (p.Ala1923Val)

Gene: PIEZO1 (piezo type mechanosensitive ion channel component 1 (Er blood group); minus strand). Cytogenetic location: 16q24.3.
Variant type: single nucleotide variant.
Coding change: c.5768C>T on transcript NM_001142864.4 (MANE Select); coding-DNA position 5768, C replaced by T.
Protein change: p.Ala1923Val; replaces alanine 1923 with valine.
Molecular consequence: missense variant.
Genome position (GRCh38, 1-based): chr16:88,720,649, G>A on the plus strand (C>T on the coding strand, the complement: PIEZO1 is on the minus strand). VCF-style: chr16-88720649-G-A. GRCh37 (hg19) VCF-style: chr16-88787057-G-A.
Other names: short protein forms A1923V.
Identifiers: ClinVar variation 1163991 (VCV001163991.12), dbSNP rs771257968, ClinGen allele CA8231790.
Genomic context (GRCh38, chr16:88,720,649, plus strand): 5'-CAGCTGCCCCCGGCCGCCATCACTCACAGGGACAGGCAGAAGCCCTGCAGCCGCCGCCCG[G>A]CCGCCCTTACTCTTCCTCCAGAGCGGCTTGGCCTCTTCTCTCTCCCCGTGGGGGCCTCTT-3'
Protein context (NP_001136336.2, residues 1913-1933): PSRSGGRVRA[Ala1923Val]GRRLQGFCLS

ClinVar aggregate classification (germline): Conflicting classifications of pathogenicity. Review status: criteria provided, conflicting classifications (1 of 4 stars). 4 submissions from 4 submitters: Uncertain significance (3); Benign (1). Last evaluated 2025-08-21.

Conditions:
Inborn genetic diseases. Identifiers: MedGen C0950123, MeSH D030342.
Lymphatic malformation 6 (LMPHM6). Also called: GENERALIZED LYMPHATIC DYSPLASIA OF FOTIOU; Lymphedema, hereditary, III; PIEZO1-related generalized lymphatic dysplasia with non-immune hydrops fetalis. Identifiers: Orphanet 568062, MedGen C4225184, MONDO:0014797, OMIM 616843.

Allele frequency attached by ClinVar (database versions not stated): ExAC 0.00012; TOPMed 0.00023; gnomAD exomes 0.00027 and 0.00028; gnomAD 0.00028 and 0.00029.
gnomAD v4.1: 423 of 1,547,390 alleles (0.027%); highest among the groups gnomAD compares: Non-Finnish European, 0.032%; no homozygotes.

Submissions (4):

Labcorp Genetics (formerly Invitae), Labcorp
Classification: Benign. Last evaluated: 2025-08-21. Review status: criteria provided, single submitter. Criteria: Invitae Variant Classification Sherloc (09022015). Collection method: clinical testing. Allele origin: germline.

Clinical Genomics Laboratory, Washington University in St. Louis
Classification: Uncertain significance for Lymphatic malformation 6. Last evaluated: 2025-02-11. Review status: criteria provided, single submitter. Criteria: ACMG Guidelines, 2015. Collection method: clinical testing. Allele origin: germline.
Comment: A PIEZO1 c.5768C>T (p.Ala1923Val) variant was identified at a near heterozygous allelic fraction of 48.7%, a frequency which may be consistent with it being of germline origin. This variant, to our knowledge, has not been reported in the medical literature. It has been reported in the ClinVar database as a germline benign variant by one submitter and a variant of uncertain significance by two submitters (ClinVar variation ID: 1163991). Computational predictors suggest that the variant does not impact PIEZO1 function. Due to limited information, and based on ACMG/AMP guidelines for variant interpretation (Richards S et al., PMID: 25741868), the clinical significance of the PIEZO1 c.5768C>T (p.Ala1923Val) variant is uncertain at this time.

Ambry Genetics
Classification: Uncertain significance for Inborn genetic diseases. Last evaluated: 2024-05-21. Review status: criteria provided, single submitter. Criteria: Ambry Variant Classification Scheme 2023. Collection method: clinical testing. Allele origin: germline.

Mayo Clinic Laboratories, Mayo Clinic
Classification: Uncertain significance. Last evaluated: 2020-10-13. Review status: criteria provided, single submitter. Criteria: ACMG Guidelines, 2015. Collection method: clinical testing. Allele origin: germline. Observed: 1 variant allele.